The following is an entry in ClinVar:

ClinVar aggregate classification (germline): Pathogenic (1 of 4 stars; one submission).

Conditions:
Tyrosinase-positive oculocutaneous albinism (OCA2). Also called: ALBINISM II; Oculocutaneous albinism type 2; Albinism, oculocutaneous, type II. Identifiers: Orphanet 79432, MedGen C0268495, MONDO:0008746, OMIM 203200.

Submission:

Myriad Genetics, Inc.
Classification: Pathogenic for Tyrosinase-positive oculocutaneous albinism. Last evaluated: 2025-03-21. Review status: criteria provided, single submitter. Criteria: Myriad Autosomal Dominant, Autosomal Recessive and X-Linked Classification Criteria (2023). Collection method: clinical testing. Allele origin: unknown.
Comment: NM_000275.2(OCA2):c.329C>A(S110*) is expected to be pathogenic in the context of oculocutaneous albinism, OCA2-related. This variant is predicted to lead to an abnormal or absent protein product due to the creation of a premature termination codon in OCA2, a gene where loss-of-function variants are known to be pathogenic. Please note: this variant was assessed in the context of healthy population screening.

NM_000275.3(OCA2):c.329C>A (p.Ser110Ter)

Gene: OCA2 (OCA2 melanosomal transmembrane protein; minus strand). Cytogenetic location: 15q13.1.
Variant type: single nucleotide variant.
Coding change: c.329C>A on transcript NM_000275.3 (MANE Select); coding-DNA position 329, C replaced by A.
Protein change: p.Ser110Ter; replaces serine 110 with a stop codon.
Molecular consequence: nonsense.
Genome position (GRCh38, 1-based): chr15:28,028,057, G>T on the plus strand (C>A on the coding strand, the complement: OCA2 is on the minus strand). VCF-style: chr15-28028057-G-T. GRCh37 (hg19) VCF-style: chr15-28273203-G-T.
Other names: c.329C>A, p.Ser110Ter (NM_001300984.2); short protein forms S110*.
Identifiers: ClinVar variation 5014240 (VCV005014240.1).
Genomic context (GRCh38, chr15:28,028,057, plus strand): 5'-CTGTCTTCCCAAGACTCTTCAGCAGTGATGAACTCTGGATGGTAAACAGGTATGCACCGT[G>T]ACCTGGAAAGCAAGAGAGGTGTGGTTATCTCTCCTGAAATAGTAATGGCTACAAAGCAAG-3'